The following is an entry in ClinVar:

NM_001292063.2(OTOG):c.4726A>G (p.Thr1576Ala)

Gene: OTOG (otogelin; plus strand). Cytogenetic location: 11p15.1.
Variant type: single nucleotide variant.
Coding change: c.4726A>G on transcript NM_001292063.2 (MANE Select); coding-DNA position 4726, A replaced by G.
Protein change: p.Thr1576Ala; replaces threonine 1576 with alanine.
Molecular consequence: missense variant.
Genome position (GRCh38, 1-based): chr11:17,610,026, A>G. VCF-style: chr11-17610026-A-G. GRCh37 (hg19) VCF-style: chr11-17631573-A-G.
Other names: c.4762A>G, p.Thr1588Ala (NM_001277269.2); short protein forms T1588A, T1576A.
Identifiers: ClinVar variation 598316 (VCV000598316.9), dbSNP rs531217323, ClinGen allele CA5905864.

ClinVar aggregate classification (germline): Uncertain significance. Review status: criteria provided, multiple submitters, no conflicts (2 of 4 stars). 3 submissions from 3 submitters: Uncertain significance (3). Last evaluated 2025-07-31.

Allele frequency attached by ClinVar (database versions not stated): ExAC 0.00007; gnomAD 0.00009; TOPMed 0.00009; gnomAD exomes 0.00010 and 0.00020; 1000 Genomes Project 30x 0.00016; 1000 Genomes Project 0.00020.
gnomAD v4.1: 279 of 1,548,026 alleles (0.018%); highest among the groups gnomAD compares: Non-Finnish European, 0.023%; no homozygotes.

Submissions (3):

GeneDx
Classification: Uncertain significance. Last evaluated: 2025-07-31. Review status: criteria provided, single submitter. Criteria: GeneDx Variant Classification Process June 2021. Collection method: clinical testing. Allele origin: germline. Affected: yes.
Comment: Observed with a second OTOG variant, phase unknown, in a proband with bilateral sensorineural hearing loss in published literature (PMID: 34515852); In silico analysis suggests that this missense variant does not alter protein structure/function; This variant is associated with the following publications: (PMID: 34515852)

Blueprint Genetics
Classification: Uncertain significance. Last evaluated: 2022-08-23. Review status: criteria provided, single submitter. Criteria: ACMG Guidelines, 2015. Collection method: clinical testing. Allele origin: germline.

Eurofins Ntd Llc (ga)
Classification: Uncertain significance. Last evaluated: 2018-08-17. Review status: criteria provided, single submitter. Criteria: EGL ClinVar v180209 classification definitions. Collection method: clinical testing. Allele origin: germline. Observed: 1 variant allele, 1 heterozygote.